The following is an entry in ClinVar:

ClinVar aggregate classification (germline): Uncertain significance. Review status: criteria provided, single submitter (1 of 4 stars). 2 submissions from 2 submitters: Uncertain significance (1). 1 of the submissions does not count toward it. Last evaluated 2019-12-28.

Conditions:
Dystrophin deficiency.
Becker muscular dystrophy (BMD). Also called: MUSCULAR DYSTROPHY, PSEUDOHYPERTROPHIC PROGRESSIVE, BECKER TYPE; Becker Muscular Dystrophy (BMD). Identifiers: Orphanet 98895, MedGen C0917713, MONDO:0010311, OMIM 300376.
Duchenne muscular dystrophy (DMD). Also called: MUSCULAR DYSTROPHY, PSEUDOHYPERTROPHIC PROGRESSIVE, DUCHENNE TYPE; Duchenne Muscular Dystrophy (DMD). Identifiers: Orphanet 98896, MedGen C0013264, MONDO:0010679, OMIM 310200.
Cardiomyopathy (CMYO). Also called: Cardiomyopathies. Identifiers: Orphanet 167848, MedGen C0878544, MONDO:0004994, HP:0001638. Inheritance: Various modes of inheritance.

Submissions (2):

ARUP Laboratories, Molecular Genetics and Genomics, ARUP Laboratories
Classification: Uncertain significance. Last evaluated: 2019-12-28. Review status: criteria provided, single submitter. Criteria: ARUP Molecular Germline Variant Investigation Process. Collection method: clinical testing. Allele origin: germline.
Comment: The DMD c.4519-10T>G variant, to our knowledge, is not reported in the medical literature or gene-specific databases. This variant is also absent from general population databases (Exome Variant Server, Genome Aggregation Database), indicating it is not a common polymorphism. This is an intronic variant in a moderately conserved nucleotide, and computational analyses (Alamut v.2.11) predict that this variant may impact splicing by weakening the nearby canonical acceptor splice site; however, RNA studies would be required to confirm this. Due to limited information, the clinical significance of the c.4519-10T>G variant is uncertain at this time.

Natera, Inc.
Classification: Uncertain significance for Becker muscular dystrophy; Cardiomyopathy; Duchenne muscular dystrophy; Dystrophin deficiency. Last evaluated: 2020-03-24. Review status: no assertion criteria provided. Collection method: clinical testing. Allele origin: germline. Not counted in ClinVar's aggregate classification.

NM_004006.3(DMD):c.4519-10T>G

Gene: DMD (dystrophin; minus strand). Cytogenetic location: Xp21.1.
Variant type: single nucleotide variant.
Coding change: c.4519-10T>G on transcript NM_004006.3 (MANE Select); 10 bases into the intron before coding-DNA position 4519, T replaced by G.
Molecular consequence: intron variant.
Genome position (GRCh38, 1-based): chrX:32,386,475, A>C on the plus strand (T>G on the coding strand, the complement: DMD is on the minus strand). VCF-style: chrX-32386475-A-C. GRCh37 (hg19) VCF-style: chrX-32404592-A-C.
Other names: c.4495-10T>G (NM_000109.4); c.496-10T>G (NM_004011.4); c.487-10T>G (NM_004012.4); c.4507-10T>G (NM_004009.3); c.4150-10T>G (NM_004010.3).
Identifiers: ClinVar variation 993415 (VCV000993415.9), dbSNP rs2097958853, ClinGen allele CA1139667362.